The following is an entry in ClinVar:

ClinVar aggregate classification (germline): Uncertain significance (1 of 4 stars; one submission).

Allele frequency attached by ClinVar (database versions not stated): gnomAD exomes below 0.00001.
gnomAD v4.1: 1 of 1,614,164 alleles (0.000062%); highest among the groups gnomAD compares: Non-Finnish European, 0.000085%; no homozygotes.

Submission:

Ambry Genetics
Classification: Uncertain significance. Last evaluated: 2021-08-21. Review status: criteria provided, single submitter. Criteria: Ambry Variant Classification Scheme 2023. Collection method: clinical testing. Allele origin: germline.
Comment: The p.R1713G variant (also known as c.5137A>G), located in coding exon 4 of the ALPK2 gene, results from an A to G substitution at nucleotide position 5137. The arginine at codon 1713 is replaced by glycine, an amino acid with dissimilar properties. This amino acid position is conserved. In addition, this alteration is predicted to be tolerated by in silico analysis. Since supporting evidence is limited at this time, the clinical significance of this alteration remains unclear.

NM_052947.4(ALPK2):c.5137A>G (p.Arg1713Gly)

Genes: ALPK2 (alpha kinase 2; minus strand), LOC130062577 (ATAC-STARR-seq lymphoblastoid active region 13389; plus strand). Cytogenetic location: 18q21.31.
Variant type: single nucleotide variant.
Coding change: c.5137A>G on transcript NM_052947.4 (MANE Select); coding-DNA position 5137, A replaced by G.
Protein change: p.Arg1713Gly; replaces arginine 1713 with glycine.
Molecular consequence: missense variant.
Genome position (GRCh38, 1-based): chr18:58,535,050, T>C on the plus strand (A>G on the coding strand, the complement: ALPK2 is on the minus strand). VCF-style: chr18-58535050-T-C. GRCh37 (hg19) VCF-style: chr18-56202282-T-C.
Other names: short protein forms R1713G.
Identifiers: ClinVar variation 1745578 (VCV001745578.2), dbSNP rs1441110704, ClinGen allele CA402557954.
Genomic context (GRCh38, chr18:58,535,050, plus strand): 5'-ACAAAATTTTCTTCTTTACTCCCTCAGCTAAATGTCCACTGCCTGGGGCTTCTGGCTTCC[T>C]CTTGACCTCCTCTGACCCCGTCACTGCTGTGAGGGTCCCTGGCGATTTGCCTGCTCGGGC-3'
Protein context (NP_443179.3, residues 1703-1723): TAVTGSEEVK[Arg1713Gly]KPEAPGSGHL